The following is an entry in ClinVar:

NM_000138.5(FBN1):c.1909T>A (p.Cys637Ser)

Gene: FBN1 (fibrillin 1; minus strand). Cytogenetic location: 15q21.1.
Variant type: single nucleotide variant.
Coding change: c.1909T>A on transcript NM_000138.5 (MANE Select); coding-DNA position 1909, T replaced by A.
Protein change: p.Cys637Ser; replaces cysteine 637 with serine.
Molecular consequence: missense variant.
Genome position (GRCh38, 1-based): chr15:48,505,076, A>T on the plus strand (T>A on the coding strand, the complement: FBN1 is on the minus strand). VCF-style: chr15-48505076-A-T. GRCh37 (hg19) VCF-style: chr15-48797273-A-T.
Other names: c.1909T>A, p.Cys637Ser (NM_001406716.1); short protein forms C637S.
Identifiers: ClinVar variation 1782465 (VCV001782465.2), dbSNP rs869025404, ClinGen allele CA392339059.

ClinVar aggregate classification (germline): Likely pathogenic (1 of 4 stars; one submission).

Conditions:
Familial thoracic aortic aneurysm and aortic dissection (TAAD). Also called: Thoracic aortic aneurysms and dissections. Identifiers: Orphanet 91387, MedGen C4707243, MONDO:0019625.

Submission:

Ambry Genetics
Classification: Likely pathogenic for Familial thoracic aortic aneurysm and aortic dissection. Last evaluated: 2018-05-30. Review status: criteria provided, single submitter. Criteria: Ambry Variant Classification Scheme 2023. Collection method: clinical testing. Allele origin: germline.
Comment: The p.C637S variant (also known as c.1909T>A), located in coding exon 15 of the FBN1 gene, results from a T to A substitution at nucleotide position 1909. The cysteine at codon 637 is replaced by serine, an amino acid with dissimilar properties, and is located in the cbEGF-like #06 domain. The majority of FBN1 mutations identified to date have involved the substitution or generation of cysteine residues within cbEGF domains (Vollbrandt T et al. J Biol Chem. 2004;279(31):32924-32931). Internal structural assessment indicates that this particular variant eliminates a critical disulfide bond in the structurally sensitive cbEGF domain #06 (Internal Ambry data). Other alterations affecting the same codon, including p.C637W and p.C637Y, have also been described in association with Marfan syndrome (Ogawa N et al. Am. J. Cardiol. 2011;108:1801-7; Zhao F et al. Mol. Vis. 2013;19:751-8). This amino acid position is highly conserved in available vertebrate species. In addition, this alteration is predicted to be deleterious by in silico analysis. Based on the majority of available evidence to date, this variant is likely to be pathogenic.